The following is an entry in ClinVar:

ClinVar aggregate classification (germline): Uncertain significance (1 of 4 stars; one submission).

Conditions:
Basal cell nevus syndrome 1 (BCNS1). Also called: GORLIN-GOLTZ SYNDROME; MULTIPLE BASAL CELL NEVI, ODONTOGENIC KERATOCYSTS, AND SKELETAL ANOMALIES. Identifiers: MedGen CN376810, MONDO:0958174, OMIM 109400.

Submission:

Institute of Human Genetics, University of Leipzig Medical Center
Classification: Uncertain significance for Basal cell nevus syndrome 1. Last evaluated: 2025-03-04. Review status: criteria provided, single submitter. Criteria: ACMG Guidelines, 2015. Collection method: clinical testing. Allele origin: unknown. Inheritance: Autosomal dominant inheritance. Affected: yes.
Comment: Criteria applied: PM2,PP3,PP4

NM_001083603.3(PTCH1):c.198+2531_198+2534delinsTTTA

Gene: PTCH1 (patched 1; minus strand). Cytogenetic location: 9q22.32.
Variant type: Indel.
Coding change: c.198+2531_198+2534delinsTTTA on transcript NM_001083603.3 (MANE Plus Clinical); bases 2531 to 2534 of the intron after coding-DNA position 198, ATTC replaced by TTTA.
Molecular consequence: intron variant.
Genome position (GRCh38, 1-based): chr9:95,514,089-95,514,092, GAAT replaced by TAAA on the plus strand (ATTC replaced by TTTA on the coding strand, the reverse complement: PTCH1 is on the minus strand). VCF-style: chr9-95514089-GAAT-TAAA. GRCh37 (hg19) VCF-style: chr9-98276371-GAAT-TAAA.
Other names: c.3+2377_3+2380delinsTTTA (NM_001083602.3, NM_001354919.2).
Identifiers: ClinVar variation 3358936 (VCV003358936.3).